The following is an entry in ClinVar:

ClinVar aggregate classification (germline): Uncertain significance (1 of 4 stars; one submission).

Submission:

Dasa
Classification: Uncertain significance. Last evaluated: 2026-01-13. Review status: criteria provided, single submitter. Criteria: DASA Assertion Criteria. Collection method: clinical testing. Allele origin: germline.
Comment: NM_001470.4(GABBR1):c.275C>T (p.Thr92Ile) is a missense variant that results in the substitution of threonine with isoleucine. This variant is rare in population databases. The currently available literature and clinical evidence are not sufficient to establish a definitive association between this variant and the reported condition. Therefore, this variant is classified as a variant of uncertain significance.

NM_001470.4(GABBR1):c.275C>T (p.Thr92Ile)

Gene: GABBR1 (gamma-aminobutyric acid type B receptor subunit 1; minus strand). Cytogenetic location: 6p22.1.
Variant type: single nucleotide variant.
Coding change: c.275C>T on transcript NM_001470.4 (MANE Select); coding-DNA position 275, C replaced by T.
Protein change: p.Thr92Ile; replaces threonine 92 with isoleucine.
Molecular consequence: missense variant. On other transcripts: 5 prime UTR variant (1).
Genome position (GRCh38, 1-based): chr6:29,631,410, G>A on the plus strand (C>T on the coding strand, the complement: GABBR1 is on the minus strand). VCF-style: chr6-29631410-G-A. GRCh37 (hg19) VCF-style: chr6-29599187-G-A.
Other names: c.-193C>T (NM_001319053.2); c.275C>T, p.Thr92Ile (NM_021904.4); short protein forms T92I.
Identifiers: ClinVar variation 4881178 (VCV004881178.2).